The following is an entry in ClinVar:

NM_005902.4(SMAD3):c.884G>T (p.Arg295Leu)

Gene: SMAD3 (SMAD family member 3; plus strand). Cytogenetic location: 15q22.33.
Variant type: single nucleotide variant.
Coding change: c.884G>T on transcript NM_005902.4 (MANE Select); coding-DNA position 884, G replaced by T.
Protein change: p.Arg295Leu; replaces arginine 295 with leucine.
Molecular consequence: missense variant.
Genome position (GRCh38, 1-based): chr15:67,184,739, G>T. VCF-style: chr15-67184739-G-T. GRCh37 (hg19) VCF-style: chr15-67477077-G-T.
Other names: c.884G>T (NM_005902.3); c.569G>T, p.Arg190Leu (NM_001145102.2); c.752G>T, p.Arg251Leu (NM_001145103.2); c.299G>T, p.Arg100Leu (NM_001145104.2); short protein forms R100L, R295L, R251L, R190L.
Identifiers: ClinVar variation 1439184 (VCV001439184.9), dbSNP rs772730200, ClinGen allele CA392956689.

ClinVar aggregate classification (germline): Uncertain significance. Review status: criteria provided, multiple submitters, no conflicts (2 of 4 stars). 2 submissions from 2 submitters: Uncertain significance (2). Last evaluated 2025-05-05.

Conditions:
Familial thoracic aortic aneurysm and aortic dissection (TAAD). Also called: Thoracic aortic aneurysms and dissections. Identifiers: Orphanet 91387, MedGen C4707243, MONDO:0019625.

Submissions (2):

Ambry Genetics
Classification: Uncertain significance for Familial thoracic aortic aneurysm and aortic dissection. Last evaluated: 2025-05-05. Review status: criteria provided, single submitter. Criteria: Ambry Variant Classification Scheme 2023. Collection method: clinical testing. Allele origin: germline.
Comment: The p.R295L variant (also known as c.884G>T), located in coding exon 7 of the SMAD3 gene, results from a G to T substitution at nucleotide position 884. The arginine at codon 295 is replaced by leucine, an amino acid with dissimilar properties. This amino acid position is conserved. In addition, this alteration is predicted to be deleterious by in silico analysis. Based on the available evidence, the clinical significance of this variant remains unclear.

Labcorp Genetics (formerly Invitae), Labcorp
Classification: Uncertain significance for Familial thoracic aortic aneurysm and aortic dissection. Last evaluated: 2021-06-20. Review status: criteria provided, single submitter. Criteria: Invitae Variant Classification Sherloc (09022015). Collection method: clinical testing. Allele origin: germline.
Comment: In summary, the available evidence is currently insufficient to determine the role of this variant in disease. Therefore, it has been classified as a Variant of Uncertain Significance. This sequence change replaces arginine with leucine at codon 295 of the SMAD3 protein (p.Arg295Leu). The arginine residue is highly conserved and there is a moderate physicochemical difference between arginine and leucine. Advanced modeling of protein sequence and biophysical properties (such as structural, functional, and spatial information, amino acid conservation, physicochemical variation, residue mobility, and thermodynamic stability) performed at Invitae indicates that this missense variant is not expected to disrupt SMAD3 protein function. This variant has not been reported in the literature in individuals with SMAD3-related conditions. This variant is not present in population databases (ExAC no frequency).